The following is an entry in ClinVar:

NM_001346754.2(PIGW):c.106dup (p.Arg36fs)

Genes: MYO19 (myosin XIX; minus strand), PIGW (phosphatidylinositol glycan anchor biosynthesis class W; plus strand). Cytogenetic location: 17q12.
Variant type: Duplication.
Coding change: c.106dup on transcript NM_001346754.2 (MANE Select); coding-DNA position 106, one base duplicated (A; older notation c.106dupA).
Protein change: p.Arg36fs; shifts the reading frame from arginine 36.
Molecular consequence: frameshift variant.
Genome position (GRCh38, 1-based): chr17:36,537,207, A duplicated. VCF-style (leftmost placement, unchanged base first): chr17-36537206-C-CA. GRCh37 (hg19) VCF-style: chr17-34893055-C-CA.
Other names: c.106dup, p.Arg36fs (NM_001346755.2, NM_178517.5); short protein forms R36fs.
Identifiers: ClinVar variation 2126010 (VCV002126010.4), dbSNP rs759234429, ClinGen allele CA290115695.
Genomic context (GRCh38, chr17:36,537,206, plus strand): 5'-TGGAACCACCGTGCTGGAAATCACCCAGGGATTGTGCTTTCCTGCATTCTGTATCCTGTG[C>CA]AGAGGGTTCCTGATCATTTTCTCACAGTACTTGTGTTCTTTTTCACCTACCTGGAAAACT-3'

ClinVar aggregate classification (germline): Uncertain significance (1 of 4 stars; one submission).

Conditions:
Hyperphosphatasia with intellectual disability syndrome 5 (GPIBD11). Also called: GLYCOSYLPHOSPHATIDYLINOSITOL BIOSYNTHESIS DEFECT 11. Identifiers: Orphanet 247262, MedGen C4014958, MONDO:0014457, OMIM 616025.

Allele frequency attached by ClinVar (database versions not stated): gnomAD exomes below 0.00001; ExAC 0.00001.

Submission:

Labcorp Genetics (formerly Invitae), Labcorp
Classification: Uncertain significance for Hyperphosphatasia with intellectual disability syndrome 5. Last evaluated: 2022-04-13. Review status: criteria provided, single submitter. Criteria: Invitae Variant Classification Sherloc (09022015). Collection method: clinical testing. Allele origin: germline.
Comment: This sequence change creates a premature translational stop signal (p.Arg36Lysfs*21) in the PIGW gene. While this is not anticipated to result in nonsense mediated decay, it is expected to disrupt the last 469 amino acid(s) of the PIGW protein. This variant is present in population databases (rs759234429, gnomAD 0.003%). This variant has not been reported in the literature in individuals affected with PIGW-related conditions. Experimental studies and prediction algorithms are not available or were not evaluated, and the functional significance of this variant is currently unknown. In summary, the available evidence is currently insufficient to determine the role of this variant in disease. Therefore, it has been classified as a Variant of Uncertain Significance.